The following is an entry in ClinVar:

ClinVar aggregate classification (germline): Uncertain significance (1 of 4 stars; one submission).

Submission:

GeneDx
Classification: Uncertain significance. Last evaluated: 2024-03-27. Review status: criteria provided, single submitter. Criteria: GeneDx Variant Classification Process June 2021. Collection method: clinical testing. Allele origin: germline. Affected: yes.
Comment: Not observed at significant frequency in large population cohorts (gnomAD); In silico analysis supports that this missense variant has a deleterious effect on protein structure/function; Has not been previously published as pathogenic or benign to our knowledge

NM_052867.4(NALCN):c.1753T>C (p.Phe585Leu)

Gene: NALCN (sodium leak channel, non-selective; minus strand). Cytogenetic location: 13q33.1.
Variant type: single nucleotide variant.
Coding change: c.1753T>C on transcript NM_052867.4 (MANE Select); coding-DNA position 1753, T replaced by C.
Protein change: p.Phe585Leu; replaces phenylalanine 585 with leucine.
Molecular consequence: missense variant.
Genome position (GRCh38, 1-based): chr13:101,191,928, A>G on the plus strand (T>C on the coding strand, the complement: NALCN is on the minus strand). VCF-style: chr13-101191928-A-G. GRCh37 (hg19) VCF-style: chr13-101844279-A-G.
Other names: c.1753T>C, p.Phe585Leu (NM_001350748.2, NM_001350749.2); c.1666T>C, p.Phe556Leu (NM_001350750.2, NM_001350751.2); short protein forms F556L, F585L.
Identifiers: ClinVar variation 3371599 (VCV003371599.1).